The following is an entry in ClinVar:

ClinVar aggregate classification (germline): Benign/Likely benign. Review status: criteria provided, multiple submitters, no conflicts (2 of 4 stars). 2 submissions from 2 submitters: Benign (1); Likely benign (1). Last evaluated 2025-06-06.

Conditions:
Tuberous sclerosis 2 (TSC2). Identifiers: Orphanet 805, MedGen C1860707, MONDO:0013199, OMIM 613254.

Submissions (2):

Myriad Genetics, Inc.
Classification: Benign for Tuberous sclerosis 2. Last evaluated: 2025-06-06. Review status: criteria provided, single submitter. Criteria: Myriad Autosomal Dominant, Autosomal Recessive and X-Linked Classification Criteria (2023). Collection method: clinical testing. Allele origin: unknown.
Comment: This variant is considered benign. This variant is a silent/synonymous amino acid change and it is not expected to impact splicing.

Labcorp Genetics (formerly Invitae), Labcorp
Classification: Likely benign for Tuberous sclerosis 2. Last evaluated: 2024-08-27. Review status: criteria provided, single submitter. Criteria: Invitae Variant Classification Sherloc (09022015). Collection method: clinical testing. Allele origin: germline.

NM_000548.5(TSC2):c.5085G>A (p.Val1695=)

Gene: TSC2 (TSC complex subunit 2; plus strand). Cytogenetic location: 16p13.3.
Variant type: single nucleotide variant.
Coding change: c.5085G>A on transcript NM_000548.5 (MANE Select); coding-DNA position 5085, G replaced by A.
Protein change: p.Val1695=; no amino-acid change (valine 1695 retained).
Molecular consequence: synonymous variant.
Genome position (GRCh38, 1-based): chr16:2,088,064, G>A. VCF-style: chr16-2088064-G-A. GRCh37 (hg19) VCF-style: chr16-2138065-G-A.
Other names: c.4884G>A, p.Val1628= (NM_001077183.3); c.5016G>A, p.Val1672= (NM_001114382.3); c.4776G>A, p.Val1592= (NM_001318827.2); c.4740G>A, p.Val1580= (NM_001318829.2); c.4353G>A, p.Val1451= (NM_001318831.2); c.4917G>A, p.Val1639= (NM_001318832.2); c.4887G>A, p.Val1629= (NM_001363528.2); c.4953G>A, p.Val1651= (NM_001370404.1); and 1 more.
Identifiers: ClinVar variation 1112529 (VCV001112529.10), dbSNP rs2151620310, ClinGen allele CA493043637.
Genomic context (GRCh38, chr16:2,088,064, plus strand): 5'-GCGCCAAGAGCCCTGGGCCTGGCGTGACCACCAAGTCTCCCCAGACATGGAGGGCCTTGT[G>A]GACACCAGCGTGGCCAAGATCGTGTCTGACCGCAACCTGCCCTTCGTGGCCCGCCAGATG-3'
Protein context (NP_000539.2, residues 1685-1705): LQCRKDMEGL[Val1695=]DTSVAKIVSD